The following is an entry in ClinVar:

ClinVar aggregate classification (germline): Uncertain significance. Review status: criteria provided, multiple submitters, no conflicts (2 of 4 stars). 2 submissions from 2 submitters: Uncertain significance (2). Last evaluated 2026-03-18.

Conditions:
CACNB2-related disorder. Also called: CACNB2-related condition.

Allele frequency attached by ClinVar (database versions not stated): gnomAD exomes 0.00002; TOPMed 0.00002; gnomAD 0.00001; ExAC 0.00004.
gnomAD v4.1: 41 of 1,602,960 alleles (0.0026%); highest among the groups gnomAD compares: Non-Finnish European, 0.0034%; no homozygotes.

Submissions (2):

PreventionGenetics, part of Exact Sciences
Classification: Uncertain significance for CACNB2-related condition. Last evaluated: 2026-03-18. Review status: criteria provided, single submitter. Criteria: ACMG Guidelines, 2015. Collection method: clinical testing. Allele origin: germline.
Comment: The CACNB2 c.100G>T variant is predicted to result in the amino acid substitution p.Ala34Ser. To our knowledge, this variant has not been reported in the literature. This variant is reported in 0.0047% of alleles in individuals of African descent in gnomAD. At this time, the clinical significance of this variant is uncertain due to the absence of conclusive functional and genetic evidence.

GeneDx
Classification: Uncertain significance. Last evaluated: 2024-03-21. Review status: criteria provided, single submitter. Criteria: GeneDx Variant Classification Process June 2021. Collection method: clinical testing. Allele origin: germline. Affected: yes.
Comment: In silico analysis supports that this missense variant does not alter protein structure/function; Has not been previously published as pathogenic or benign to our knowledge; Variants in candidate genes are classified as variants of uncertain significance in accordance with ACMG guidelines (PMID: 25741868); Reported using an alternate transcript of the gene

NM_201596.3(CACNB2):c.100G>T (p.Ala34Ser)

Gene: CACNB2 (calcium voltage-gated channel auxiliary subunit beta 2; plus strand). Cytogenetic location: 10p12.33.
Variant type: single nucleotide variant.
Coding change: c.100G>T on transcript NM_201596.3 (MANE Select); coding-DNA position 100, G replaced by T.
Protein change: p.Ala34Ser; replaces alanine 34 with serine.
Molecular consequence: missense variant. On other transcripts: 5 prime UTR variant (3).
Genome position (GRCh38, 1-based): chr10:18,140,836, G>T. VCF-style: chr10-18140836-G-T. GRCh37 (hg19) VCF-style: chr10-18429765-G-T.
Other names: p.A34S:GCG>TCG; c.-344G>T (NM_001167945.2, NM_201571.4, NM_201572.4); c.100G>T, p.Ala34Ser (NM_201593.3, NM_201597.3); short protein forms A34S.
Identifiers: ClinVar variation 190733 (VCV000190733.6), dbSNP rs754097169, ClinGen allele CA301875.